The following is an entry in ClinVar:

NM_001378454.1(ALMS1):c.36GGA[18] (p.Glu24_Glu28dup)

Gene: ALMS1 (ALMS1 centrosome and basal body associated protein; plus strand). Cytogenetic location: 2p13.1.
Variant type: Microsatellite.
Coding change: c.36GGA[18] on transcript NM_001378454.1 (MANE Select); 18 copies in a row of the 3-base unit GGA starting at c.36; the reference has 13 copies in a row; five copies, 15 bases duplicated.
Protein change: p.Glu24_Glu28dup.
Molecular consequence: inframe insertion.
Genome position (GRCh38, 1-based): chr2:73,385,928-73,385,942, GGAGGAGGAGGAGGA duplicated; duplicating any 15 consecutive bases within chr2:73,385,904-73,385,942 gives the same sequence; the position shown is the placement nearest the transcript's 3' end. VCF-style (leftmost placement, unchanged base first): chr2-73385903-T-TGGAGGAGGAGGAGGA. GRCh37 (hg19) VCF-style: chr2-73613031-T-TGGAGGAGGAGGAGGA.
Other names: c.63_74dupGGAGGAGGAGGA (NM_015120.4); c.66_77dupGGAGGAGGAGGA (NM_015120.4); c.66_77dup12 (NM_015120.4); c.36GGA[19], p.Glu25_Glu29dup (NM_015120.4).
Identifiers: ClinVar variation 220621 (VCV000220621.14), dbSNP rs55889738, ClinGen allele CA10586831.
Genomic context (GRCh38, chr2:73,385,903, plus strand): 5'-TCTGCCGCCCAGAGCGAGACACCAACATGGAGCCCGAGGATCTGCCATGGCCGGGCGAGC[T>TGGAGGAGGAGGAGGA]GGAGGAGGAGGAGGAGGAGGAGGAGGAGGAGGAGGAGGAAGAGGAGGAGGCTGCAGCGGC-3'

ClinVar aggregate classification (germline): Benign/Likely benign. Review status: criteria provided, multiple submitters, no conflicts (2 of 4 stars). 7 submissions from 7 submitters: Benign (2); Likely benign (3). 2 of the submissions do not count toward it. Last evaluated 2025-02-16.

Conditions:
Cardiovascular phenotype. Identifiers: MedGen CN230736.

Submissions (7):

Laboratory of Genetics, Children's Clinical University Hospital Latvia
Classification: Likely benign. Last evaluated: 2025-02-16. Review status: criteria provided, single submitter. Criteria: ACMG Guidelines, 2015. Collection method: clinical testing. Allele origin: germline. Affected: yes.

Blueprint Genetics
Classification: Likely benign. Last evaluated: 2024-11-15. Review status: criteria provided, single submitter. Criteria: ACMG Guidelines, 2015. Collection method: clinical testing. Allele origin: germline.

Women's Health and Genetics/Laboratory Corporation of America, LabCorp
Classification: Benign. Last evaluated: 2024-10-01. Review status: criteria provided, single submitter. Criteria: LabCorp Variant Classification Summary - May 2015. Collection method: clinical testing. Allele origin: germline.
Comment: Variant summary: ALMS1 c.63_74dup12 (p.Glu25_Glu28dup; also referred to as c.66_77dup12) results in an in-frame duplication that is predicted to duplicate 4 amino acids in a Glu repeat region of the ALMS1 protein (Glu13_Glu28). The variant allele was found at a frequency of 0.0022 in 701332 control chromosomes, predominantly at a frequency of 0.035 within the East Asian subpopulation in the gnomAD database, including 3 homozygotes. The observed variant frequency within East Asian control individuals in the gnomAD database is approximately 19-fold of the estimated maximal expected allele frequency for a pathogenic variant in ALMS1 causing Alstrom Syndrome With Dilated Cardiomyopathy phenotype (0.0018). To our knowledge, no occurrence of c.63_74dup12 in individuals affected with Alstrom Syndrome With Dilated Cardiomyopathy and no experimental evidence demonstrating its impact on protein function have been reported. ClinVar contains an entry for this variant (Variation ID: 412658). Based on the evidence outlined above, the variant was classified as benign.

GeneDx
Classification: Likely benign. Last evaluated: 2021-04-02. Review status: criteria provided, single submitter. Criteria: GeneDx Variant Classification Process June 2021. Collection method: clinical testing. Allele origin: germline. Affected: yes.

Ambry Genetics
Classification: Benign for Cardiovascular phenotype. Last evaluated: 2019-10-28. Review status: criteria provided, single submitter. Criteria: Ambry Variant Classification Scheme 2023. Collection method: clinical testing. Allele origin: germline.

Clinical Genetics DNA and cytogenetics Diagnostics Lab, Erasmus MC, Erasmus Medical Center
Classification: Likely benign. Review status: no assertion criteria provided. Collection method: clinical testing. Allele origin: germline. Affected: yes. Study: VKGL Data-share Consensus. Not counted in ClinVar's aggregate classification.

Clinical Genetics, Academic Medical Center
Classification: Likely benign. Review status: no assertion criteria provided. Collection method: clinical testing. Allele origin: germline. Affected: yes. Study: VKGL Data-share Consensus. Not counted in ClinVar's aggregate classification.